The following is an entry in ClinVar:

NM_001205293.3(CACNA1E):c.6407G>A (p.Gly2136Asp)

Gene: CACNA1E (calcium voltage-gated channel subunit alpha1 E; plus strand). Cytogenetic location: 1q25.3.
Variant type: single nucleotide variant.
Coding change: c.6407G>A on transcript NM_001205293.3 (MANE Select); coding-DNA position 6407, G replaced by A.
Protein change: p.Gly2136Asp; replaces glycine 2136 with aspartic acid.
Molecular consequence: missense variant.
Genome position (GRCh38, 1-based): chr1:181,798,299, G>A. VCF-style: chr1-181798299-G-A. GRCh37 (hg19) VCF-style: chr1-181767435-G-A.
Other names: c.6278G>A, p.Gly2093Asp (NM_000721.4); c.6221G>A, p.Gly2074Asp (NM_001205294.2); short protein forms G2074D, G2093D, G2136D.
Identifiers: ClinVar variation 2574521 (VCV002574521.1), dbSNP rs1249537860, ClinGen allele CA343844737.
Genomic context (GRCh38, chr1:181,798,299, plus strand): 5'-GTAGGGATCATGCCAAGCCCAATCTAACATGCCATGTCTCTCCTGCTATACAGGGCACAG[G>A]TTCCCTAAGTGAGAGCTCCATCCCCTCTGTCTCTGACACCAGCACCCCAAGAAGAAGTCG-3'
Protein context (NP_001192222.1, residues 2126-2146): RSQTPNRQGT[Gly2136Asp]SLSESSIPSV

ClinVar aggregate classification (germline): Uncertain significance (1 of 4 stars; one submission).

Submission:

GeneDx
Classification: Uncertain significance. Last evaluated: 2023-01-30. Review status: criteria provided, single submitter. Criteria: GeneDx Variant Classification Process June 2021. Collection method: clinical testing. Allele origin: germline. Affected: yes.
Comment: Not observed at significant frequency in large population cohorts (gnomAD); In silico analysis supports that this missense variant has a deleterious effect on protein structure/function; Has not been previously published as pathogenic or benign to our knowledge